The following is an entry in ClinVar:

NM_182977.3(NNT):c.1989C>T (p.Leu663=)

Gene: NNT (nicotinamide nucleotide transhydrogenase; plus strand). Cytogenetic location: 5p12.
Variant type: single nucleotide variant.
Coding change: c.1989C>T on transcript NM_182977.3 (MANE Select); coding-DNA position 1989, C replaced by T.
Protein change: p.Leu663=; no amino-acid change (leucine 663 retained).
Molecular consequence: synonymous variant.
Genome position (GRCh38, 1-based): chr5:43,653,143, C>T. VCF-style: chr5-43653143-C-T. GRCh37 (hg19) VCF-style: chr5-43653245-C-T.
Other names: c.1989C>T (NM_012343.3); c.1596C>T, p.Leu532= (NM_001331026.2); c.1989C>T, p.Leu663= (NM_012343.4).
Identifiers: ClinVar variation 1989551 (VCV001989551.6), dbSNP rs200074849, ClinGen allele CA3258125.

ClinVar aggregate classification (germline): Likely benign. Review status: criteria provided, single submitter (1 of 4 stars). 2 submissions from 2 submitters: Likely benign (1). 1 of the submissions does not count toward it. Last evaluated 2026-01-21.

Conditions:
NNT-related disorder. Also called: NNT-related condition.

Allele frequency attached by ClinVar (database versions not stated): ESP Exome Variant Server 0.00015; gnomAD 0.00016; gnomAD exomes 0.00016; TOPMed 0.00017; ExAC 0.00022.
gnomAD v4.1: 263 of 1,613,994 alleles (0.016%); highest among the groups gnomAD compares: Admixed American, 0.023%; no homozygotes.

Submissions (2):

Labcorp Genetics (formerly Invitae), Labcorp
Classification: Likely benign. Last evaluated: 2026-01-21. Review status: criteria provided, single submitter. Criteria: Invitae Variant Classification Sherloc (09022015). Collection method: clinical testing. Allele origin: germline.

PreventionGenetics, part of Exact Sciences
Classification: Likely benign for NNT-related condition. Last evaluated: 2019-03-20. Review status: no assertion criteria provided. Collection method: clinical testing. Allele origin: germline. Not counted in ClinVar's aggregate classification.
Comment: This variant is classified as likely benign based on ACMG/AMP sequence variant interpretation guidelines (Richards et al. 2015 PMID: 25741868, with internal and published modifications).